The following is an entry in ClinVar:

ClinVar aggregate classification (germline): Conflicting classifications of pathogenicity. Review status: criteria provided, conflicting classifications (1 of 4 stars). 11 submissions from 11 submitters: Uncertain significance (3); Likely benign (4). 4 of the submissions do not count toward it. Last evaluated 2025-08-01.

Conditions:
TTN-related disorder. Also called: TTN-related disorders; TTN-related condition; TTN-related disease.

Allele frequency attached by ClinVar (database versions not stated): 1000 Genomes Project 30x 0.00047; gnomAD 0.00053 and 0.00054; 1000 Genomes Project 0.00060; ExAC 0.00061; TOPMed 0.00068; gnomAD exomes 0.00069 and 0.00112; ESP Exome Variant Server 0.00108.
gnomAD v4.1: 1,726 of 1,613,268 alleles (0.11%); highest among the groups gnomAD compares: Non-Finnish European, 0.13%; 1 homozygote.

Submissions (11):

CeGaT Center for Human Genetics Tuebingen
Classification: Likely benign. Last evaluated: 2025-08-01. Review status: criteria provided, single submitter. Criteria: CeGaT Center For Human Genetics Tuebingen Variant Classification Criteria Version 2. Collection method: clinical testing. Allele origin: germline. Affected: yes. Observed: 13 variant alleles.
Comment: TTN: BP4

PreventionGenetics, part of Exact Sciences
Classification: Likely benign for TTN-related condition. Last evaluated: 2025-02-16. Review status: criteria provided, single submitter. Criteria: ACMG Guidelines, 2015. Collection method: clinical testing. Allele origin: germline.
Comment: This variant is classified as likely benign based on ACMG/AMP sequence variant interpretation guidelines (Richards et al. 2015 PMID: 25741868, with internal and published modifications).

Blueprint Genetics
Classification: Likely benign. Last evaluated: 2024-11-11. Review status: criteria provided, single submitter. Criteria: ACMG Guidelines, 2015. Collection method: clinical testing. Allele origin: germline.

ARUP Laboratories, Molecular Genetics and Genomics, ARUP Laboratories
Classification: Uncertain significance. Last evaluated: 2022-04-07. Review status: criteria provided, single submitter. Criteria: ARUP Molecular Germline Variant Investigation Process 2021. Collection method: clinical testing. Allele origin: germline.
Comment: The TTN c.14812A>G; p.Met4938Val variant (rs145581345; ClinVar Variation ID: 47778) is rare in the general population (<1% allele frequency in the Genome Aggregation Database) and has not been reported in the medical literature in association with dilated cardiomyopathy (DCM) or other TTN-related disease. The clinical relevance of rare missense variants in this gene, which are identified on average once per individual sequenced in affected populations (Herman 2012), is not well understood. Yet, evidence suggests that the vast majority of such missense variants do not contribute to the clinical outcome of DCM (Begay 2015). Thus, the clinical significance of the p.Met4938Val variant cannot be determined with certainty. References: Begay RL et al. Role of Titin Missense Variants in Dilated Cardiomyopathy. J Am Heart Assoc. 2015 Nov 13;4(11). Herman DS et al. Truncations of titin causing dilated cardiomyopathy. N Engl J Med. 2012 Feb 16;366(7):619-28. Linke and Hamdani. Gigantic business: titin properties and function through thick and thin. Circ Res 2014; 114(6): 1052-1068.

Eurofins Ntd Llc (ga)
Classification: Uncertain significance. Last evaluated: 2017-08-31. Review status: criteria provided, single submitter. Criteria: EGL Classification Definitions 2015. Collection method: clinical testing. Allele origin: germline. Observed: 7 variant alleles, 7 heterozygotes.

Laboratory for Molecular Medicine, Mass General Brigham Personalized Medicine
Classification: Uncertain significance. Last evaluated: 2014-07-09. Review status: criteria provided, single submitter. Criteria: LMM Criteria. Collection method: clinical testing. Allele origin: germline. Observed: 2 variant alleles.
Comment: This variant has also been identified in 0.13% (11/8600) of European American chromosomes by the NHLBI Exome Sequencin g Project (dbSNP rs145581345). Computational prediction tools and conservation analysis are limited or unavailable for this v ariant. In summary, additional studies are needed to fully assess the clinical s ignificance of the Met4938Val variant.

Biesecker Lab/Clinical Genomics Section, National Institutes of Health
Classification: Likely benign. Last evaluated: 2013-06-24. Review status: criteria provided, single submitter. Criteria: Ng et al. (Circ Cardiovasc Genet. 2013). Collection method: research. Allele origin: unknown. Observed: 1 variant allele. Study: ClinSeq.
Comment: The study set was not selected for affection status in relation to any cancer. Pathogenicity categories were based on literature curation. See Pubmed ID:23861362 for details.

Medical sequencing

GeneDx
No classification provided. Last evaluated: 2014-08-29. Review status: no classification provided. Criteria: GeneDx Variant Classification (06012015). Collection method: clinical testing. Allele origin: germline. Affected: yes. Not counted in ClinVar's aggregate classification.
Comment: Missense variants in the TTN gene are considered 'unclassified' if they are not previously reported in the literature and do not have >1% frequency in the population to be considered a polymorphism. Research indicates that truncating mutations in the TTN gene are expected to account for approximately 25% of familial and 18% of sporadic idiopathic DCM; however, truncating variants in the TTN gene have been reported in approximately 3% of reported control alleles. There has been little investigation into non-truncating variants. (Herman D et al. Truncations of titin causing dilated cardiomyopathy. N Eng J Med 366:619-628, 2012) The variant is found in CARDIOMYOPATHY panel(s).

Clinical Genetics, Academic Medical Center
Classification: Likely benign. Review status: no assertion criteria provided. Collection method: clinical testing. Allele origin: germline. Affected: yes. Study: VKGL Data-share Consensus. Not counted in ClinVar's aggregate classification.

Department of Pathology and Laboratory Medicine, Sinai Health System
Classification: Uncertain significance. Review status: no assertion criteria provided. Collection method: clinical testing. Allele origin: unknown. Affected: yes. Study: The Canadian Open Genetics Repository (COGR). Not counted in ClinVar's aggregate classification.
Comment: The TTN p.Met4938Val variant was not identified in the literature nor was it identified in Cosmic or LOVD 3.0. The variant was identified in dbSNP (ID: rs145581345) as â€šÃ„ÃºWith Uncertain significance alleleâ€šÃ„Ã¹. In ClinVar, there are conflicting interpretations of pathogenicity from four submitters: 2x uncertain significance (Laboratory for Molecular Medicine, Partners HealthCare Personalized Medicine and EGL Genetic Diagnostics, Eurofins Clinical Diagnostics), 1x likely benign (Biesecker Lab/Human Development Section, National Institutes of Health), and not provided (GeneDx). The variant was identified in control databases in 192 of 281816 chromosomes (1 homozygous) at a frequency of 0.000681 increasing the likelihood this could be a low frequency benign variant (Genome Aggregation Database Feb 27, 2017). The variant was observed in the following populations: Ashkenazi Jewish in 19 of 10342 chromosomes (freq: 0.001837), European (non-Finnish) in 145 of 128398 chromosomes (freq: 0.001129), Other in 7 of 7192 chromosomes (freq: 0.000973), African in 6 of 24944 chromosomes (freq: 0.000241), European (Finnish) in 5 of 25104 chromosomes (freq: 0.000199), South Asian in 5 of 30606 chromosomes (freq: 0.000163) and Latino in 5 of 35322 chromosomes (freq: 0.000142); it was not observed in the East Asian population. The variant occurs outside of the splicing consensus sequence however 2 of 4 in silico prediction software programs (SpliceSiteFinder and MaxEntScan) predict the creation of a new 3' splice site. The p.Met4938 residue is not conserved across mammals and other organisms and 3 of 3 computational analyses (PolyPhen-2, BLOSUM, and MutationTaster) do not suggest a high likelihood of impact to the protein; this information is not predictive enough to rule out pathogenicity. In summary, based on the above information the clinical significance of this variant cannot be determined with certainty at this time. This variant is classified as a variant of uncertain significance.

Laboratory of Diagnostic Genome Analysis, Leiden University Medical Center (LUMC)
Classification: Likely benign. Review status: no assertion criteria provided. Collection method: clinical testing. Allele origin: germline. Affected: yes. Study: VKGL Data-share Consensus. Not counted in ClinVar's aggregate classification.

NM_133379.5(TTN):c.14812A>G (p.Met4938Val)

Genes: TTN (titin; minus strand), LOC126806432 (CDK7 strongly-dependent group 2 enhancer GRCh37_chr2:179611985-179613184; plus strand). Cytogenetic location: 2q31.2.
Variant type: single nucleotide variant.
Coding change: c.14812A>G on transcript NM_133379.5; coding-DNA position 14812, A replaced by G.
Protein change: p.Met4938Val; replaces methionine 4938 with valine.
Molecular consequence: missense variant. On other transcripts: intron variant (6).
Genome position (GRCh38, 1-based): chr2:178,747,588, T>C on the plus strand (A>G on the coding strand, the complement: TTN is on the minus strand). VCF-style: chr2-178747588-T-C. GRCh37 (hg19) VCF-style: chr2-179612315-T-C.
Other names: p.M4938V:ATG>GTG; c.10360+5536A>G (NM_133378.4, NM_001256850.1); c.10222+5536A>G (NM_003319.4); c.10798+5536A>G (NM_133437.4); c.10597+5536A>G (NM_133432.3); c.11311+5536A>G (NM_001267550.2); c.14812A>G (NM_133379.4); short protein forms M4938V.
Identifiers: ClinVar variation 47778 (VCV000047778.54), dbSNP rs145581345, ClinGen allele CA141877.
Genomic context (GRCh38, chr2:178,747,588, plus strand): 5'-ATTCCTGTTTCTGGTTGTAGTATTCATACACAGTGTTGAAAGTTACTTCTTCCACCTCCA[T>C]TGAAGTGATTGATTCACTCTGGACAAGCTTTGCCTGGTCTCTGGTGTCTTTAGTTTCAGG-3'